The following is an entry in ClinVar:

ClinVar aggregate classification (germline): Likely benign (1 of 4 stars; one submission).

Conditions:
SLC10A1-related disorder. Also called: SLC10A1-related condition.

gnomAD v4.1: 8 of 1,609,330 alleles (0.0005%); highest among the groups gnomAD compares: Non-Finnish European, 0.00068%; no homozygotes.

Submission:

PreventionGenetics, part of Exact Sciences
Classification: Likely benign for SLC10A1-related condition. Last evaluated: 2025-11-04. Review status: criteria provided, single submitter. Criteria: ACMG Guidelines, 2015. Collection method: clinical testing. Allele origin: germline.
Comment: This variant is classified as likely benign based on ACMG/AMP sequence variant interpretation guidelines (Richards et al. 2015 PMID: 25741868, with internal and published modifications).

NM_003049.4(SLC10A1):c.951A>C (p.Thr317=)

Gene: SLC10A1 (solute carrier family 10 member 1; minus strand). Cytogenetic location: 14q24.1.
Variant type: single nucleotide variant.
Coding change: c.951A>C on transcript NM_003049.4 (MANE Select); coding-DNA position 951, A replaced by C.
Protein change: p.Thr317=; no amino-acid change (threonine 317 retained).
Molecular consequence: synonymous variant.
Genome position (GRCh38, 1-based): chr14:69,776,381, T>G on the plus strand (A>C on the coding strand, the complement: SLC10A1 is on the minus strand). VCF-style: chr14-69776381-T-G. GRCh37 (hg19) VCF-style: chr14-70243098-T-G.
Identifiers: ClinVar variation 4977224 (VCV004977224.1).